The following is an entry in ClinVar:

ClinVar aggregate classification (germline): Uncertain significance. Review status: criteria provided, multiple submitters, no conflicts (2 of 4 stars). 2 submissions from 2 submitters: Uncertain significance (2). Last evaluated 2022-06-13.

Conditions:
Sjögren-Larsson syndrome (SLS). Also called: FALDH DEFICIENCY; FATTY ALCOHOL:NAD+ OXIDOREDUCTASE DEFICIENCY; FATTY ALDEHYDE DEHYDROGENASE DEFICIENCY; ICHTHYOSIS, SPASTIC NEUROLOGIC DISORDER, AND OLIGOPHRENIA. Identifiers: Orphanet 816, MedGen C0037231, MONDO:0010031, OMIM 270200.

Allele frequency attached by ClinVar (database versions not stated): gnomAD exomes 0.00001; TOPMed 0.00001; gnomAD 0.00002; ExAC 0.00003.
gnomAD v4.1: 16 of 1,583,480 alleles (0.001%); highest among the groups gnomAD compares: African/African-American, 0.0013%; no homozygotes.

Submissions (2):

Labcorp Genetics (formerly Invitae), Labcorp
Classification: Uncertain significance. Last evaluated: 2022-06-13. Review status: criteria provided, single submitter. Criteria: Invitae Variant Classification Sherloc (09022015). Collection method: clinical testing. Allele origin: germline.
Comment: This sequence change replaces alanine, which is neutral and non-polar, with valine, which is neutral and non-polar, at codon 29 of the ALDH3A2 protein (p.Ala29Val). The frequency data for this variant in the population databases is considered unreliable, as metrics indicate poor data quality at this position in the gnomAD database. This variant has not been reported in the literature in individuals affected with ALDH3A2-related conditions. ClinVar contains an entry for this variant (Variation ID: 322207). Algorithms developed to predict the effect of missense changes on protein structure and function (SIFT, PolyPhen-2, Align-GVGD) all suggest that this variant is likely to be tolerated. In summary, the available evidence is currently insufficient to determine the role of this variant in disease. Therefore, it has been classified as a Variant of Uncertain Significance.

Illumina Laboratory Services, Illumina
Classification: Uncertain significance for Sjögren-Larsson syndrome. Last evaluated: 2018-01-13. Review status: criteria provided, single submitter. Criteria: ICSL Variant Classification Criteria 13 December 2019. Collection method: clinical testing. Allele origin: germline.

NM_000382.3(ALDH3A2):c.86C>T (p.Ala29Val)

Gene: ALDH3A2 (aldehyde dehydrogenase 3 family member A2; plus strand). Cytogenetic location: 17p11.2.
Variant type: single nucleotide variant.
Coding change: c.86C>T on transcript NM_000382.3 (MANE Select); coding-DNA position 86, C replaced by T.
Protein change: p.Ala29Val; replaces alanine 29 with valine.
Molecular consequence: missense variant. On other transcripts: 5 prime UTR variant (1).
Genome position (GRCh38, 1-based): chr17:19,649,057, C>T. VCF-style: chr17-19649057-C-T. GRCh37 (hg19) VCF-style: chr17-19552370-C-T.
Other names: c.86C>T, p.Ala29Val (NM_001031806.2, NM_001369136.1, NM_001369137.2 and 3 more transcripts); c.-603C>T (NM_001369148.2); short protein forms A29V.
Identifiers: ClinVar variation 322207 (VCV000322207.6), dbSNP rs780433740, ClinGen allele CA8442712.
Genomic context (GRCh38, chr17:19,649,057, plus strand): 5'-GACAGGCGTTCCTGTCCGGCCGGTCGCGACCTCTGCGGTTTCGGCTGCAGCAGCTGGAGG[C>T]CCTGCGGAGGATGGTGCAGGAGCGCGAGAAGGATATCCTGACGGCCATCGCCGCCGACCT-3'
Protein context (NP_000373.1, residues 19-39): PLRFRLQQLE[Ala29Val]LRRMVQEREK